The following is an entry in ClinVar:

ClinVar aggregate classification (germline): Uncertain significance (1 of 4 stars; one submission).

Conditions:
Hereditary sensory and autonomic neuropathy type 1 (HSAN1). Also called: HSN Type I; Hereditary Sensory Neuropathy Type I; HSAN 1. Identifiers: Orphanet 36386, MedGen C0020071, MONDO:0018213.

Allele frequency attached by ClinVar (database versions not stated): gnomAD exomes below 0.00001.
gnomAD v4.1: 2 of 1,614,094 alleles (0.00012%); highest among the groups gnomAD compares: Non-Finnish European, 0.00017%; no homozygotes.

Submission:

Labcorp Genetics (formerly Invitae), Labcorp
Classification: Uncertain significance for Hereditary sensory and autonomic neuropathy type 1. Last evaluated: 2025-07-18. Review status: criteria provided, single submitter. Criteria: Invitae Variant Classification Sherloc (09022015). Collection method: clinical testing. Allele origin: germline.
Comment: This sequence change replaces lysine, which is basic and polar, with arginine, which is basic and polar, at codon 157 of the SPTLC1 protein (p.Lys157Arg). This variant is present in population databases (no rsID available, gnomAD 0.0009%). This variant has not been reported in the literature in individuals affected with SPTLC1-related conditions. ClinVar contains an entry for this variant (Variation ID: 941846). Invitae Evidence Modeling of protein sequence and biophysical properties (such as structural, functional, and spatial information, amino acid conservation, physicochemical variation, residue mobility, and thermodynamic stability) indicates that this missense variant is not expected to disrupt SPTLC1 protein function with a negative predictive value of 80%. In summary, the available evidence is currently insufficient to determine the role of this variant in disease. Therefore, it has been classified as a Variant of Uncertain Significance.

NM_006415.4(SPTLC1):c.470A>G (p.Lys157Arg)

Gene: SPTLC1 (serine palmitoyltransferase long chain base subunit 1; minus strand). Cytogenetic location: 9q22.31.
Variant type: single nucleotide variant.
Coding change: c.470A>G on transcript NM_006415.4 (MANE Select); coding-DNA position 470, A replaced by G.
Protein change: p.Lys157Arg; replaces lysine 157 with arginine.
Molecular consequence: missense variant.
Genome position (GRCh38, 1-based): chr9:92,068,056, T>C on the plus strand (A>G on the coding strand, the complement: SPTLC1 is on the minus strand). VCF-style: chr9-92068056-T-C. GRCh37 (hg19) VCF-style: chr9-94830338-T-C.
Other names: c.470A>G, p.Lys157Arg (NM_001281303.2); c.104A>G, p.Lys35Arg (NM_001368272.1); c.5A>G, p.Lys2Arg (NM_001368273.1); short protein forms K157R, K2R, K35R.
Identifiers: ClinVar variation 941846 (VCV000941846.9), dbSNP rs1255312189, ClinGen allele CA373798843.